The following is an entry in ClinVar:

NM_018062.4(FANCL):c.295C>A (p.Gln99Lys)

Gene: FANCL (FA complementation group L; minus strand). Cytogenetic location: 2p16.1.
Variant type: single nucleotide variant.
Coding change: c.295C>A on transcript NM_018062.4 (MANE Select); coding-DNA position 295, C replaced by A.
Protein change: p.Gln99Lys; replaces glutamine 99 with lysine.
Molecular consequence: missense variant.
Genome position (GRCh38, 1-based): chr2:58,222,021, G>T on the plus strand (C>A on the coding strand, the complement: FANCL is on the minus strand). VCF-style: chr2-58222021-G-T. GRCh37 (hg19) VCF-style: chr2-58449156-G-T.
Other names: c.295C>A, p.Gln99Lys (NM_001114636.2, NM_001374615.1, NM_001410792.1); short protein forms Q99K.
Identifiers: ClinVar variation 1434479 (VCV001434479.3), dbSNP rs1196510455, ClinGen allele CA347034540.

ClinVar aggregate classification (germline): Uncertain significance (1 of 4 stars; one submission).

Conditions:
Fanconi anemia (FA). Also called: Fanconi's anemia. Identifiers: Orphanet 84, MedGen C0015625, MeSH D005199, MONDO:0019391.

Allele frequency attached by ClinVar (database versions not stated): gnomAD exomes below 0.00001.

Submission:

Labcorp Genetics (formerly Invitae), Labcorp
Classification: Uncertain significance for Fanconi anemia. Last evaluated: 2021-09-16. Review status: criteria provided, single submitter. Criteria: Invitae Variant Classification Sherloc (09022015). Collection method: clinical testing. Allele origin: germline.
Comment: This sequence change replaces glutamine with lysine at codon 99 of the FANCL protein (p.Gln99Lys). The glutamine residue is moderately conserved and there is a small physicochemical difference between glutamine and lysine. This variant is not present in population databases (ExAC no frequency). This variant has not been reported in the literature in individuals affected with FANCL-related conditions. Algorithms developed to predict the effect of missense changes on protein structure and function output the following: SIFT: "Tolerated"; PolyPhen-2: "Benign"; Align-GVGD: "Class C0". The lysine amino acid residue is found in multiple mammalian species, which suggests that this missense change does not adversely affect protein function. In summary, the available evidence is currently insufficient to determine the role of this variant in disease. Therefore, it has been classified as a Variant of Uncertain Significance.